The following is an entry in ClinVar:

NM_000157.4(GBA1):c.1388G>C (p.Ser463Thr)

Genes: GBA1 (glucosylceramidase beta 1; minus strand), LOC106627981 (GBA recombination region; plus strand). Cytogenetic location: 1q22.
Variant type: single nucleotide variant.
Coding change: c.1388G>C on transcript NM_000157.4 (MANE Select); coding-DNA position 1388, G replaced by C.
Protein change: p.Ser463Thr; replaces serine 463 with threonine.
Molecular consequence: missense variant.
Genome position (GRCh38, 1-based): chr1:155,235,681, C>G on the plus strand (G>C on the coding strand, the complement: GBA1 is on the minus strand). VCF-style: chr1-155235681-C-G. GRCh37 (hg19) VCF-style: chr1-155205472-C-G.
Other names: c.1388G>C, p.Ser463Thr (NM_001005741.3, NM_001005742.3); c.1127G>C, p.Ser376Thr (NM_001171811.2); c.1241G>C, p.Ser414Thr (NM_001171812.2); short protein forms S376T, S414T, S463T.
Identifiers: ClinVar variation 801555 (VCV000801555.6), dbSNP rs1571965884, ClinGen allele CA342712232.

ClinVar aggregate classification (germline): Uncertain significance. Review status: criteria provided, multiple submitters, no conflicts (2 of 4 stars). 3 submissions from 3 submitters: Uncertain significance (3). Last evaluated 2025-02-13.

Conditions:
Gaucher disease perinatal lethal. Also called: Gaucher disease collodion type; Gaucher Disease, Perinatal-Lethal Form. Identifiers: Orphanet 85212, MedGen C1842704, MONDO:0011945, OMIM 608013.
Lewy body dementia (DLB). Also called: Lewy Body Disease. Identifiers: MedGen C0752347, MONDO:0007488, OMIM 127750.
Gaucher disease-ophthalmoplegia-cardiovascular calcification syndrome. Also called: GAUCHER DISEASE, TYPE IIIC. Identifiers: Orphanet 2072, MedGen C1856476, MONDO:0009268, OMIM 231005.
Parkinson disease, late-onset (PD). Also called: Hereditary late onset Parkinson disease; Susceptibility to Parkinson's Disease; PARKINSON DISEASE, LATE-ONSET, SUSCEPTIBILITY TO. Identifiers: Orphanet 411602, MedGen C3160718, MONDO:0008199, OMIM 168600.
Gaucher disease type I (GD1). Also called: Gaucher's disease, type 1; GD 1; Type 1 Gaucher Disease; ACID BETA-GLUCOSIDASE DEFICIENCY; GAUCHER DISEASE, NONCEREBRAL JUVENILE; GBA DEFICIENCY. Identifiers: Orphanet 355, Orphanet 77259, MedGen C1961835, MONDO:0009265, OMIM 230800.
Gaucher disease type II (GD2). Also called: Acute neuronopathic Gaucher's disease; Type 2 Gaucher disease (Acute; Infantile); GAUCHER DISEASE, ACUTE NEURONOPATHIC TYPE; GD II. Identifiers: Orphanet 77260, MedGen C0268250, MONDO:0009266, OMIM 230900.
Gaucher disease type III. Also called: Subacute neuronopathic Gaucher's disease; Type 3 Gaucher disease (Subacute; Juvenile); GAUCHER DISEASE, CHRONIC NEURONOPATHIC TYPE; GAUCHER DISEASE, JUVENILE AND ADULT, CEREBRAL; GAUCHER DISEASE, SUBACUTE NEURONOPATHIC TYPE; GD III. Identifiers: Orphanet 355, Orphanet 77261, MedGen C0268251, MONDO:0009267, OMIM 231000.

Allele frequency attached by ClinVar (database versions not stated): gnomAD exomes below 0.00001.
gnomAD v4.1: 1 of 1,599,114 alleles (0.000063%); highest among the groups gnomAD compares: Non-Finnish European, 0.000085%; no homozygotes.

Submissions (3):

Dasa
Classification: Uncertain significance. Last evaluated: 2025-02-13. Review status: criteria provided, single submitter. Criteria: DASA Assertion Criteria. Collection method: clinical testing. Allele origin: germline.
Comment: NM_000157.4(GBA):c.1388G>C (p.Ser463Thr) is a missense variant that results in the substitution of serine with threonine. This variant is rare in population databases. Computational prediction algorithms are consistent with a deleterious effect. The currently available literature and clinical evidence are not sufficient to establish a definitive association between this variant and the reported condition. Therefore, this variant is classified as a variant of uncertain significance.

Fulgent Genetics
Classification: Uncertain significance for Lewy body dementia; Parkinson disease, late-onset; Gaucher disease type I; Gaucher disease type II; Gaucher disease type III; Gaucher disease-ophthalmoplegia-cardiovascular calcification syndrome; Gaucher disease perinatal lethal. Last evaluated: 2021-08-04. Review status: criteria provided, single submitter. Criteria: ACMG Guidelines, 2015. Collection method: clinical testing. Allele origin: unknown.

Mendelics
Classification: Uncertain significance for Gaucher disease type I. Last evaluated: 2020-02-07. Review status: criteria provided, single submitter. Criteria: Mendelics Assertion Criteria 2017. Collection method: clinical testing. Allele origin: unknown.